The following is an entry in ClinVar:

ClinVar aggregate classification (germline): Uncertain significance (1 of 4 stars; one submission).

gnomAD v4.1: 10 of 1,611,878 alleles (0.00062%); highest among the groups gnomAD compares: Non-Finnish European, 0.00085%; no homozygotes.

Submission:

Ambry Genetics
Classification: Uncertain significance. Last evaluated: 2025-03-24. Review status: criteria provided, single submitter. Criteria: Ambry Variant Classification Scheme 2023. Collection method: clinical testing. Allele origin: germline.
Comment: The p.A1371S variant (also known as c.4111G>T), located in coding exon 19 of the WNK2 gene, results from a G to T substitution at nucleotide position 4111. The alanine at codon 1371 is replaced by serine, an amino acid with similar properties. This amino acid position is conserved. In addition, this alteration is predicted to be tolerated by in silico analysis. Based on the available evidence, the clinical significance of this variant remains unclear.

NM_006648.4(WNK2):c.4111G>T (p.Ala1371Ser)

Gene: WNK2 (WNK lysine deficient protein kinase 2; plus strand). Cytogenetic location: 9q22.31.
Variant type: single nucleotide variant.
Coding change: c.4111G>T on transcript NM_006648.4 (MANE Select); coding-DNA position 4111, G replaced by T.
Protein change: p.Ala1371Ser; replaces alanine 1371 with serine.
Molecular consequence: missense variant.
Genome position (GRCh38, 1-based): chr9:93,288,865, G>T. VCF-style: chr9-93288865-G-T. GRCh37 (hg19) VCF-style: chr9-96051147-G-T.
Other names: c.4222G>T, p.Ala1408Ser (NM_001282394.3); short protein forms A1371S, A1408S.
Identifiers: ClinVar variation 3981706 (VCV003981706.1).